The following is an entry in ClinVar:

ClinVar aggregate classification (germline): Conflicting classifications of pathogenicity. Review status: criteria provided, conflicting classifications (1 of 4 stars). 5 submissions from 5 submitters: Pathogenic (3); Likely pathogenic (1); Uncertain significance (1). Last evaluated 2026-01-30.

Conditions:
OPTN-related disorder. Also called: OPTN-related condition; OPTN-related disorders.
Glaucoma 1, open angle, E. Identifiers: MedGen C1842026, MONDO:0007665.
Amyotrophic lateral sclerosis type 12 (ALS12). Also called: AMYOTROPHIC LATERAL SCLEROSIS 12 WITH OR WITHOUT FRONTOTEMPORAL DEMENTIA. Identifiers: Orphanet 803, MedGen C3150692, MONDO:0013264, OMIM 613435.
Primary open angle glaucoma (POAG). Also called: OPTN-related open angle glaucoma. Identifiers: MedGen C0339573, MONDO:0100553, OMIM 137760.
Inborn genetic diseases. Identifiers: MedGen C0950123, MeSH D030342.

Allele frequency attached by ClinVar (database versions not stated): gnomAD exomes below 0.00001; gnomAD 0.00001; TOPMed 0.00002.
gnomAD v4.1: 6 of 1,613,700 alleles (0.00037%); highest among the groups gnomAD compares: Non-Finnish European, 0.00051%; no homozygotes.

Submissions (5):

Women's Health and Genetics/Laboratory Corporation of America, LabCorp
Classification: Pathogenic for OPTN-Related Disorders. Last evaluated: 2026-01-30. Review status: criteria provided, single submitter. Criteria: LabCorp Variant Classification Summary - May 2015. Collection method: clinical testing. Allele origin: germline.
Comment: Variant summary: OPTN c.703C>T (p.Gln235X) results in a premature termination codon, predicted to cause a truncation of the encoded protein or absence of the protein due to nonsense mediated decay, which are commonly known mechanisms for disease. The variant allele was found at a frequency of 4e-06 in 251484 control chromosomes. c.703C>T has been observed as a biallelic genotype and in the heterozygous state in individuals affected with OPTN-Related Disorders including amyotrophic lateral sclerosis and frontotemporal lobar degeneration (e.g. Cady_2015, Pottier_2015). These data indicate that the variant is likely associated with disease. The following publications have been ascertained in the context of this evaluation (PMID: 25382069, 25943890). To our knowledge, no experimental evidence demonstrating an impact on protein function has been reported. ClinVar contains an entry for this variant (Variation ID: 2030520). Based on the evidence outlined above, the variant was classified as pathogenic.

Labcorp Genetics (formerly Invitae), Labcorp
Classification: Pathogenic for Primary open angle glaucoma; Glaucoma 1, open angle, E; Amyotrophic lateral sclerosis type 12. Last evaluated: 2025-07-16. Review status: criteria provided, single submitter. Criteria: Invitae Variant Classification Sherloc (09022015). Collection method: clinical testing. Allele origin: germline.
Comment: This sequence change creates a premature translational stop signal (p.Gln235*) in the OPTN gene. It is expected to result in an absent or disrupted protein product. Loss-of-function variants in OPTN are known to be pathogenic (PMID: 20428114). This variant is present in population databases (no rsID available, gnomAD 0.0009%). This premature translational stop signal has been observed in individual(s) with OPTN-related conditions (PMID: 25382069, 25943890, 30739198). ClinVar contains an entry for this variant (Variation ID: 2030520). For these reasons, this variant has been classified as Pathogenic.

PreventionGenetics, part of Exact Sciences
Classification: Pathogenic for OPTN-related condition. Last evaluated: 2025-05-27. Review status: criteria provided, single submitter. Criteria: ACMG Guidelines, 2015. Collection method: clinical testing. Allele origin: germline.
Comment: The OPTN c.703C>T variant is predicted to result in premature protein termination (p.Gln235*). This variant has been reported in an individual with amyotrophic lateral sclerosis (ALS, Table S1, Cady et al. 2015. PubMed ID: 25382069). This variant has also been reported in the compound heterozygous state in an individual with a pathological diagnosis of frontotemporal lobar dementia (Case A, Pottier et al. 2015. PubMed ID: 25943890). Post-mortem pathology demonstrated p62 and TDP-43 pathology in the cortical gray matter and quantitative mRNA expression from brain tissue demonstrated OPTN mRNA and protein expression were dramatically reduced in this patient (Figures 4 and 2, respectively, Pottier et al. 2015. PubMed ID: 25943890). This variant is reported in 0.00088% of alleles in individuals of European (non-Finnish) descent in gnomAD. Nonsense variants in OPTN are expected to be pathogenic and several nonsense variants upstream and downstream of this variant have been reported in individuals with ALS (Human Gene Mutation Database). This variant is interpreted as pathogenic.

GeneDx
Classification: Likely pathogenic. Last evaluated: 2023-05-22. Review status: criteria provided, single submitter. Criteria: GeneDx Variant Classification Process June 2021. Collection method: clinical testing. Allele origin: germline. Affected: yes.
Comment: Observed in a patient with frontotemporal lobar degeneration (FTLD) who harbored an additional OPTN variant in trans (Pottier et al., 2015); Reported in an individual with sporadic limb onset amyotrophic lateral sclerosis (Cady et al., 2015); Nonsense variant predicted to result in protein truncation or nonsense mediated decay in a gene for which loss of function is a known mechanism of disease; Not observed at significant frequency in large population cohorts (gnomAD); This variant is associated with the following publications: (PMID: 25943890, 29080331, 28456633, 32028661, 29605155, 31498468, 30739198, 25382069, 32687832)

Ambry Genetics
Classification: Uncertain significance for Inborn genetic diseases. Last evaluated: 2020-04-30. Review status: criteria provided, single submitter. Criteria: Ambry Variant Classification Scheme 2023. Collection method: clinical testing. Allele origin: germline.
Comment: The c.703C>T (p.Q235*) alteration, located in exon 6 (coding exon 5) of the OPTN gene, consists of a C to T substitution at nucleotide position 703. This changes the amino acid from a glutamine (Q) to a stop codon at amino acid position 235. Premature stop codons are typically deleterious in nature (Richards, 2015). The alteration change is ultra rare in population databases:_x000D_ _x000D_ Based on data from the Genome Aggregation Database (gnomAD), the OPTN c.703C>T alteration was observed in <0.001% (1/251,484) total alleles studied. The amino acid change has been observed in affected individuals: _x000D_ _x000D_ The p.Q235* alteration was detected once among 391 individuals with amyotrophic lateral sclerosis (ALS) in a pooled-sample sequencing of 17 genes associated with ALS. Specifically, the alteration was detected in 1/698 sporadic ALS alelles and 0/84 familial ALS alleles (Cady, 2015). Additionally, this alteration was reported in a patient with frontotemporal dementia, who also had a second missene alteration in OPTN (p.A481V), which studies suggest was located in trans to the p.Q235* alteration (Pottier, 2015). Based on insufficient or conflicting evidence, the clinical significance of this alteration remains unclear.

Literature cited by the submitters: PubMed 25943890 (cited by 3 submitters); PubMed 25382069 (cited by 3 submitters); PubMed 20428114 (cited by Labcorp Genetics (formerly Invitae), Labcorp); PubMed 30739198 (cited by Labcorp Genetics (formerly Invitae), Labcorp).

NM_001008212.2(OPTN):c.703C>T (p.Gln235Ter)

Gene: OPTN (optineurin; plus strand). Cytogenetic location: 10p13.
Variant type: single nucleotide variant.
Coding change: c.703C>T on transcript NM_001008212.2 (MANE Select); coding-DNA position 703, C replaced by T.
Protein change: p.Gln235Ter; replaces glutamine 235 with a stop codon.
Molecular consequence: nonsense.
Genome position (GRCh38, 1-based): chr10:13,118,964, C>T. VCF-style: chr10-13118964-C-T. GRCh37 (hg19) VCF-style: chr10-13160964-C-T.
Other names: c.703C>T, p.Gln235Ter (NM_001008211.1, NM_001008213.1, NM_021980.4); short protein forms Q235*.
Identifiers: ClinVar variation 2030520 (VCV002030520.9), dbSNP rs1371904281, ClinGen allele CA376028502.
Genomic context (GRCh38, chr10:13,118,964, plus strand): 5'-AGGAGCAGATCTGCAGATGGGGCCAAGAATTACTTCGAACATGAGGAGTTAACTGTGAGC[C>T]AGCTCCTGCTGTGCCTAAGGGAAGGGAATCAGAAGGTGGAGAGACTTGAAGTTGCACTCA-3'